The following is an entry in ClinVar:

NM_030665.4(RAI1):c.4742C>T (p.Ser1581Phe)

Gene: RAI1 (retinoic acid induced 1; plus strand). Cytogenetic location: 17p11.2.
Variant type: single nucleotide variant.
Coding change: c.4742C>T on transcript NM_030665.4 (MANE Select); coding-DNA position 4742, C replaced by T.
Protein change: p.Ser1581Phe; replaces serine 1581 with phenylalanine.
Molecular consequence: missense variant.
Genome position (GRCh38, 1-based): chr17:17,797,690, C>T. VCF-style: chr17-17797690-C-T. GRCh37 (hg19) VCF-style: chr17-17701004-C-T.
Other names: short protein forms S1581F.
Identifiers: ClinVar variation 4742368 (VCV004742368.1).

ClinVar aggregate classification (germline): Uncertain significance (1 of 4 stars; one submission).

gnomAD v4.1: 3 of 1,613,632 alleles (0.00019%); highest among the groups gnomAD compares: Non-Finnish European, 0.00025%; no homozygotes.

Submission:

Labcorp Genetics (formerly Invitae), Labcorp
Classification: Uncertain significance. Last evaluated: 2026-01-21. Review status: criteria provided, single submitter. Criteria: Invitae Variant Classification Sherloc (09022015). Collection method: clinical testing. Allele origin: germline.
Comment: This sequence change replaces serine, which is neutral and polar, with phenylalanine, which is neutral and non-polar, at codon 1581 of the RAI1 protein (p.Ser1581Phe). This variant is not present in population databases (gnomAD no frequency). This variant has not been reported in the literature in individuals affected with RAI1-related conditions. Invitae Evidence Modeling of protein sequence and biophysical properties (such as structural, functional, and spatial information, amino acid conservation, physicochemical variation, residue mobility, and thermodynamic stability) indicates that this missense variant is not expected to disrupt RAI1 protein function with a negative predictive value of 80%. In summary, the available evidence is currently insufficient to determine the role of this variant in disease. Therefore, it has been classified as a Variant of Uncertain Significance.